The following is an entry in ClinVar:

ClinVar aggregate classification (germline): Benign. Review status: criteria provided, multiple submitters, no conflicts (2 of 4 stars). 7 submissions from 7 submitters: Benign (7). Last evaluated 2026-02-01.

Conditions:
Autosomal dominant nonsyndromic hearing loss 2A. Also called: Autosomal dominant nonsyndromic deafness 2A; DFNA2 Nonsyndromic Hearing Loss; Deafness, autosomal dominant 2A. Identifiers: Orphanet 90635, MedGen C2677637, MONDO:0010817, OMIM 600101.

Allele frequency attached by ClinVar (database versions not stated): gnomAD 0.03710 and 0.03713; 1000 Genomes Project 0.03814; ESP Exome Variant Server 0.03867; 1000 Genomes Project 30x 0.03873; ExAC 0.03881; TOPMed 0.04028.

Submissions (7):

Labcorp Genetics (formerly Invitae), Labcorp
Classification: Benign. Last evaluated: 2026-02-01. Review status: criteria provided, single submitter. Criteria: Invitae Variant Classification Sherloc (09022015). Collection method: clinical testing. Allele origin: germline.

Genome-Nilou Lab
Classification: Benign for Autosomal dominant nonsyndromic hearing loss 2A. Last evaluated: 2023-04-11. Review status: criteria provided, single submitter. Criteria: ACMG Guidelines, 2015. Collection method: clinical testing. Allele origin: germline. Affected: no.

Mayo Clinic Laboratories, Mayo Clinic
Classification: Benign. Last evaluated: 2021-12-24. Review status: criteria provided, single submitter. Criteria: ACMG Guidelines, 2015. Collection method: clinical testing. Allele origin: germline. Observed: 16 variant alleles.

GeneDx
Classification: Benign. Last evaluated: 2017-05-09. Review status: criteria provided, single submitter. Criteria: GeneDx Variant Classification (06012015). Collection method: clinical testing. Allele origin: germline. Affected: yes.
Comment: This variant is considered likely benign or benign based on one or more of the following criteria: it is a conservative change, it occurs at a poorly conserved position in the protein, it is predicted to be benign by multiple in silico algorithms, and/or has population frequency not consistent with disease.

Laboratory for Molecular Medicine, Mass General Brigham Personalized Medicine
Classification: Benign. Last evaluated: 2012-05-07. Review status: criteria provided, single submitter. Criteria: LMM Criteria. Collection method: clinical testing. Allele origin: germline. Observed: 162 variant alleles.
Comment: "Leu281Leu in Exon 06 of KCNQ4: This variant is not expected to have clinical si gnificance because it does not alter an amino acid residue, is not located withi n the splice consensus sequence, and has been identified in 4.7% (333/7020) of E uropean American chromosomes from a broad population by the NHLBI Exome Sequenci ng Project (dbSNP rs55737429)."

Breakthrough Genomics
Classification: Benign. Review status: criteria provided, single submitter. Criteria: ACMG Guidelines, 2015. Collection method: not provided. Allele origin: germline. Inheritance: Autosomal dominant inheritance. Affected: yes.

PreventionGenetics, part of Exact Sciences
Classification: Benign. Review status: criteria provided, single submitter. Criteria: ACMG Guidelines, 2015. Collection method: clinical testing. Allele origin: germline.

NM_004700.4(KCNQ4):c.841T>C (p.Leu281=)

Gene: KCNQ4 (potassium voltage-gated channel subfamily Q member 4; plus strand). Cytogenetic location: 1p34.2.
Variant type: single nucleotide variant.
Coding change: c.841T>C on transcript NM_004700.4 (MANE Select); coding-DNA position 841, T replaced by C.
Protein change: p.Leu281=; no amino-acid change (leucine 281 retained).
Molecular consequence: synonymous variant.
Genome position (GRCh38, 1-based): chr1:40,819,881, T>C. VCF-style: chr1-40819881-T-C. GRCh37 (hg19) VCF-style: chr1-41285553-T-C.
Other names: p.Leu281=; c.841T>C, p.Leu281= (NM_172163.3).
Identifiers: ClinVar variation 45106 (VCV000045106.15), dbSNP rs55737429, ClinGen allele CA135537.